The following is an entry in ClinVar:

NM_005559.4(LAMA1):c.1203T>C (p.Pro401=)

Gene: LAMA1 (laminin subunit alpha 1; minus strand). Cytogenetic location: 18p11.31.
Variant type: single nucleotide variant.
Coding change: c.1203T>C on transcript NM_005559.4 (MANE Select); coding-DNA position 1203, T replaced by C.
Protein change: p.Pro401=; no amino-acid change (proline 401 retained).
Molecular consequence: synonymous variant.
Genome position (GRCh38, 1-based): chr18:7,042,203, A>G on the plus strand (T>C on the coding strand, the complement: LAMA1 is on the minus strand). VCF-style: chr18-7042203-A-G. GRCh37 (hg19) VCF-style: chr18-7042202-A-G.
Identifiers: ClinVar variation 4822076 (VCV004822076.4).
Genomic context (GRCh38, chr18:7,042,203, plus strand): 5'-ACCATTGTGTAAGTCAGAATGGAGGTCATCCTTAATACAGACAGAACTGAGGGACCCCAC[A>G]GGGTCACAATTACAGGGGCGGCAAGGCTCATCCTCATAAGGAGACACCTGAAAGGCAGAG-3'
Protein context (NP_005550.2, residues 391-411): DEPCRPCNCD[Pro401=]VGSLSSVCIK

ClinVar aggregate classification (germline): Likely benign (1 of 4 stars; one submission).

Submission:

CeGaT Center for Human Genetics Tuebingen
Classification: Likely benign. Last evaluated: 2026-02-01. Review status: criteria provided, single submitter. Criteria: CeGaT Center For Human Genetics Tuebingen Variant Classification Criteria Version 2. Collection method: clinical testing. Allele origin: germline. Affected: yes. Observed: 1 variant allele.
Comment: LAMA1: PM2:Supporting, BP4, BP7